The following is an entry in ClinVar:

NM_001369.3(DNAH5):c.5493del (p.Leu1831fs)

Gene: DNAH5 (dynein axonemal heavy chain 5; minus strand). Cytogenetic location: 5p15.2.
Variant type: Deletion.
Coding change: c.5493del on transcript NM_001369.3 (MANE Select); coding-DNA position 5493, one base deleted (A; older notation c.5493delA).
Protein change: p.Leu1831fs; shifts the reading frame from leucine 1831.
Molecular consequence: frameshift variant.
Genome position (GRCh38, 1-based): chr5:13,841,122, T deleted on the plus strand (A on the coding strand, the reverse complement: DNAH5 is on the minus strand). VCF-style (leftmost placement, unchanged base first): chr5-13841121-AT-A. GRCh37 (hg19) VCF-style: chr5-13841230-AT-A.
Other names: short protein forms L1831fs.
Identifiers: ClinVar variation 4066590 (VCV004066590.2).
Genomic context (GRCh38, chr5:13,841,121, plus strand): 5'-CAAACTTGGCATTTCTAAGGGCTTCTTCTGAATCCCGTGTCCATATCATCTGAATTCCTA[AT>A]AATCCAACCTTATGGAAATAAAAAAGGCTTCATGAATTTGTATGGCATATTTATGTATTT-3'

ClinVar aggregate classification (germline): Likely pathogenic (1 of 4 stars; one submission).

Conditions:
Primary ciliary dyskinesia. Also called: Ciliary dyskinesia. Identifiers: Orphanet 244, MedGen C0008780, MONDO:0016575, HP:0012265.

Submission:

Natera, Inc.
Classification: Likely pathogenic for Primary ciliary dyskinesia. Last evaluated: 2025-05-18. Review status: criteria provided, single submitter. Criteria: Natera Variant Classification Schema (03/2026). Collection method: clinical testing. Allele origin: germline.
Comment: The c.5493del variant in DNAH5 is a frameshift variant predicted to shift the reading frame beginning at codon 1831 and leads to a stop codon 2 codons downstream. This variant is expected to result in nonsense mediated decay, truncation, or a dysfunctional protein product. This variant is rare in the general population with a frequency below the threshold expected for the associated phenotype(s). Given the available evidence, this variant is classified as Likely Pathogenic.